The following is an entry in ClinVar:

NM_004560.4(ROR2):c.2150G>C (p.Cys717Ser)

Gene: ROR2 (receptor tyrosine kinase like orphan receptor 2; minus strand). Cytogenetic location: 9q22.31.
Variant type: single nucleotide variant.
Coding change: c.2150G>C on transcript NM_004560.4 (MANE Select); coding-DNA position 2150, G replaced by C.
Protein change: p.Cys717Ser; replaces cysteine 717 with serine.
Molecular consequence: missense variant.
Genome position (GRCh38, 1-based): chr9:91,724,344, C>G on the plus strand (G>C on the coding strand, the complement: ROR2 is on the minus strand). VCF-style: chr9-91724344-C-G. GRCh37 (hg19) VCF-style: chr9-94486626-C-G.
Other names: short protein forms C717S.
Identifiers: ClinVar variation 1905718 (VCV001905718.5), dbSNP rs776124355, ClinGen allele CA5120475.
Genomic context (GRCh38, chr9:91,724,344, plus strand): 5'-GGCCGCCGGCTGGGGAACTCGTTCCAGCACTCGATCATGAGGGCATACACCCAGGCGGGA[C>G]AGTCATCGGGGCAAGGCAGCACCTGCCGGTTCCGGATCATCTCCACCACATCCTGGTTGG-3'
Protein context (NP_004551.2, residues 707-727): NRQVLPCPDD[Cys717Ser]PAWVYALMIE

ClinVar aggregate classification (germline): Uncertain significance (1 of 4 stars; one submission).

Allele frequency attached by ClinVar (database versions not stated): gnomAD exomes below 0.00001; ExAC 0.00001; gnomAD 0.00001.
gnomAD v4.1: 6 of 1,613,426 alleles (0.00037%); highest among the groups gnomAD compares: East Asian, 0.0022%; no homozygotes.

Submission:

Labcorp Genetics (formerly Invitae), Labcorp
Classification: Uncertain significance. Last evaluated: 2024-07-17. Review status: criteria provided, single submitter. Criteria: Invitae Variant Classification Sherloc (09022015). Collection method: clinical testing. Allele origin: germline.
Comment: This sequence change replaces cysteine, which is neutral and slightly polar, with serine, which is neutral and polar, at codon 717 of the ROR2 protein (p.Cys717Ser). This variant is present in population databases (rs776124355, gnomAD 0.005%). This variant has not been reported in the literature in individuals affected with ROR2-related conditions. ClinVar contains an entry for this variant (Variation ID: 1905718). Advanced modeling of protein sequence and biophysical properties (such as structural, functional, and spatial information, amino acid conservation, physicochemical variation, residue mobility, and thermodynamic stability) performed at Invitae indicates that this missense variant is expected to disrupt ROR2 protein function with a positive predictive value of 80%. In summary, the available evidence is currently insufficient to determine the role of this variant in disease. Therefore, it has been classified as a Variant of Uncertain Significance.